The following is an entry in ClinVar:

ClinVar aggregate classification (germline): Conflicting classifications of pathogenicity. Review status: criteria provided, conflicting classifications (1 of 4 stars). 2 submissions from 2 submitters: Uncertain significance (1); Likely benign (1). Last evaluated 2026-03-01.

Conditions:
Inborn genetic diseases. Identifiers: MedGen C0950123, MeSH D030342.

Allele frequency attached by ClinVar (database versions not stated): ExAC 0.00001; gnomAD 0.00001; TOPMed 0.00001; gnomAD exomes 0.00004.

Submissions (2):

CeGaT Center for Human Genetics Tuebingen
Classification: Likely benign. Last evaluated: 2026-03-01. Review status: criteria provided, single submitter. Criteria: CeGaT Center For Human Genetics Tuebingen Variant Classification Criteria Version 2. Collection method: clinical testing. Allele origin: germline. Affected: yes. Observed: 1 variant allele.
Comment: CHD4: BS2

Ambry Genetics
Classification: Uncertain significance for Inborn genetic diseases. Last evaluated: 2023-08-04. Review status: criteria provided, single submitter. Criteria: Ambry Variant Classification Scheme 2023. Collection method: clinical testing. Allele origin: germline.

NM_001273.5(CHD4):c.4873G>A (p.Glu1625Lys)

Genes: CHD4 (chromodomain helicase DNA binding protein 4; minus strand), CHD4-AS1 (CHD4 antisense RNA 1; plus strand). Cytogenetic location: 12p13.31.
Variant type: single nucleotide variant.
Coding change: c.4873G>A on transcript NM_001273.5 (MANE Select); coding-DNA position 4873, G replaced by A.
Protein change: p.Glu1625Lys; replaces glutamic acid 1625 with lysine.
Molecular consequence: missense variant.
Genome position (GRCh38, 1-based): chr12:6,581,080, C>T on the plus strand (G>A on the coding strand, the complement: CHD4 is on the minus strand). VCF-style: chr12-6581080-C-T. GRCh37 (hg19) VCF-style: chr12-6690246-C-T.
Other names: c.4852G>A, p.Glu1618Lys (NM_001297553.2); c.4834G>A, p.Glu1612Lys (NM_001363606.2); short protein forms E1618K, E1612K, E1625K.
Identifiers: ClinVar variation 2592967 (VCV002592967.6), dbSNP rs763767059, ClinGen allele CA6411410.